The following is an entry in ClinVar:

ClinVar aggregate classification (germline): Conflicting classifications of pathogenicity. Review status: criteria provided, conflicting classifications (1 of 4 stars). 3 submissions from 3 submitters: Uncertain significance (1); Likely benign (1). 1 of the submissions does not count toward it. Last evaluated 2025-11-05.

Conditions:
COQ8A-related disorder. Also called: COQ8A-related condition.

Allele frequency attached by ClinVar (database versions not stated): gnomAD exomes 0.00004; TOPMed 0.00004; gnomAD 0.00005 and 0.00006; ExAC 0.00007.
gnomAD v4.1: 67 of 1,613,572 alleles (0.0042%); highest among the groups gnomAD compares: Middle Eastern, 0.016%; no homozygotes.

Submissions (3):

Labcorp Genetics (formerly Invitae), Labcorp
Classification: Likely benign. Last evaluated: 2025-11-05. Review status: criteria provided, single submitter. Criteria: Invitae Variant Classification Sherloc (09022015). Collection method: clinical testing. Allele origin: germline.

GeneDx
Classification: Uncertain significance. Last evaluated: 2022-08-26. Review status: criteria provided, single submitter. Criteria: GeneDx Variant Classification Process June 2021. Collection method: clinical testing. Allele origin: germline. Affected: yes.
Comment: Has not been previously published as pathogenic or benign to our knowledge; Not observed at significant frequency in large population cohorts (gnomAD); In silico analysis supports that this variant does not alter splicing

PreventionGenetics, part of Exact Sciences
Classification: Likely benign for COQ8A-related condition. Last evaluated: 2019-04-11. Review status: no assertion criteria provided. Collection method: clinical testing. Allele origin: germline. Not counted in ClinVar's aggregate classification.
Comment: This variant is classified as likely benign based on ACMG/AMP sequence variant interpretation guidelines (Richards et al. 2015 PMID: 25741868, with internal and published modifications).

NM_020247.5(COQ8A):c.1407C>T (p.Tyr469=)

Gene: COQ8A (coenzyme Q8A; plus strand). Cytogenetic location: 1q42.13.
Variant type: single nucleotide variant.
Coding change: c.1407C>T on transcript NM_020247.5 (MANE Select); coding-DNA position 1407, C replaced by T.
Protein change: p.Tyr469=; no amino-acid change (tyrosine 469 retained).
Molecular consequence: synonymous variant.
Genome position (GRCh38, 1-based): chr1:226,984,556, C>T. VCF-style: chr1-226984556-C-T. GRCh37 (hg19) VCF-style: chr1-227172257-C-T.
Identifiers: ClinVar variation 1342773 (VCV001342773.11), dbSNP rs773258464, ClinGen allele CA1425484.